The following is an entry in ClinVar:

NM_014365.3(HSPB8):c.*644A>G

Gene: HSPB8 (heat shock protein family B (small) member 8; plus strand). Cytogenetic location: 12q24.23.
Variant type: single nucleotide variant.
Coding change: c.*644A>G on transcript NM_014365.3 (MANE Select); 644 bases downstream of the stop codon, A replaced by G.
Molecular consequence: 3 prime UTR variant.
Genome position (GRCh38, 1-based): chr12:119,194,502, A>G. VCF-style: chr12-119194502-A-G. GRCh37 (hg19) VCF-style: chr12-119632307-A-G.
Identifiers: ClinVar variation 307426 (VCV000307426.7), dbSNP rs11038, ClinGen allele CA10636610.

ClinVar aggregate classification (germline): Benign. Review status: criteria provided, multiple submitters, no conflicts (2 of 4 stars). 4 submissions from 3 submitters: Benign (4). Last evaluated 2021-05-12.

Conditions:
Charcot-Marie-Tooth disease axonal type 2L. Also called: Charcot-Marie-Tooth Neuropathy Type 2L; CHARCOT-MARIE-TOOTH DISEASE, AXONAL, AUTOSOMAL DOMINANT, TYPE 2L; CHARCOT-MARIE-TOOTH NEUROPATHY, AXONAL, TYPE 2L. Identifiers: Orphanet 99945, MedGen C1837552, MONDO:0012096, OMIM 608673.
Neuronopathy, distal hereditary motor, type 2A. Also called: CHARCOT-MARIE-TOOTH DISEASE, SPINAL, IIA; NEURONOPATHY, DISTAL HEREDITARY MOTOR, AUTOSOMAL DOMINANT 2; NEURONOPATHY, DISTAL HEREDITARY MOTOR, HARDING TYPE IIA; NEUROPATHY, DISTAL HEREDITARY MOTOR, HARDING TYPE IIA; SPINAL MUSCULAR ATROPHY, DISTAL, ADULT, AUTOSOMAL DOMINANT, HARDING TYPE IIA; HMN IIA. Identifiers: Orphanet 139525, MedGen C1834692, MONDO:0008025, OMIM 158590.

Allele frequency attached by ClinVar (database versions not stated): gnomAD 0.34384 and 0.34575; TOPMed 0.35399; 1000 Genomes Project 30x 0.37789; 1000 Genomes Project 0.38019; gnomAD exomes 0.39477.
gnomAD v4.1: 55,520 of 160,242 alleles (35%); highest among the groups gnomAD compares: African/African-American, 51%; 10,531 homozygotes.

Submissions (4):

GeneDx
Classification: Benign. Last evaluated: 2021-05-12. Review status: criteria provided, single submitter. Criteria: GeneDx Variant Classification Process June 2021. Collection method: clinical testing. Allele origin: germline. Affected: yes.

Illumina Laboratory Services, Illumina
Classification: Benign for Charcot-Marie-Tooth disease axonal type 2L. Last evaluated: 2018-01-13. Review status: criteria provided, single submitter. Criteria: ICSL Variant Classification Criteria 13 December 2019. Collection method: clinical testing. Allele origin: germline.
Comment: This variant was observed in the ICSL laboratory as part of a predisposition screen in an ostensibly healthy population. It had not been previously curated by ICSL or reported in the Human Gene Mutation Database (HGMD: prior to June 1st, 2018), and was therefore a candidate for classification through an automated scoring system. Utilizing variant allele frequency, disease prevalence and penetrance estimates, and inheritance mode, an automated score was calculated to assess if this variant is too frequent to cause the disease. Based on the score and internal cut-off values, a variant classified as benign is not then subjected to further curation. The score for this variant resulted in a classification of benign for this disease.

Illumina Laboratory Services, Illumina
Classification: Benign for Neuronopathy, distal hereditary motor, type 2A. Last evaluated: 2018-01-13. Review status: criteria provided, single submitter. Criteria: ICSL Variant Classification Criteria 13 December 2019. Collection method: clinical testing. Allele origin: germline.
Comment: the same text as in the submission from Illumina Laboratory Services, Illumina above.

Breakthrough Genomics
Classification: Benign. Review status: criteria provided, single submitter. Criteria: ACMG Guidelines, 2015. Collection method: not provided. Allele origin: germline. Inheritance: Autosomal dominant inheritance. Affected: yes.